The following is an entry in ClinVar:

NM_001083614.2(EARS2):c.209G>T (p.Ser70Ile)

Gene: EARS2 (glutamyl-tRNA synthetase 2, mitochondrial; minus strand). Cytogenetic location: 16p12.2.
Variant type: single nucleotide variant.
Coding change: c.209G>T on transcript NM_001083614.2 (MANE Select); coding-DNA position 209, G replaced by T.
Protein change: p.Ser70Ile; replaces serine 70 with isoleucine.
Molecular consequence: missense variant. On other transcripts: non-coding transcript variant (1).
Genome position (GRCh38, 1-based): chr16:23,552,235, C>A on the plus strand (G>T on the coding strand, the complement: EARS2 is on the minus strand). VCF-style: chr16-23552235-C-A. GRCh37 (hg19) VCF-style: chr16-23563556-C-A.
Other names: p.Ser70Ile; c.209G>T, p.Ser70Ile (NM_001308211.1); short protein forms S70I.
Identifiers: ClinVar variation 559206 (VCV000559206.20), dbSNP rs201941745, ClinGen allele CA7962673.

ClinVar aggregate classification (germline): Conflicting classifications of pathogenicity. Review status: criteria provided, conflicting classifications (1 of 4 stars). 6 submissions from 6 submitters: Uncertain significance (5); Likely benign (1). Last evaluated 2026-01-05.

Conditions:
Inborn genetic diseases. Identifiers: MedGen C0950123, MeSH D030342.
Leukoencephalopathy-thalamus and brainstem anomalies-high lactate syndrome. Also called: Combined oxidative phosphorylation deficiency 12; LEUKOENCEPHALOPATHY WITH THALAMUS AND BRAINSTEM INVOLVEMENT AND HIGH LACTATE. Identifiers: Orphanet 314051, MedGen C4706421, MONDO:0013971, OMIM 614924.

Allele frequency attached by ClinVar (database versions not stated): TOPMed 0.00024; ESP Exome Variant Server 0.00016.

Submissions (6):

Labcorp Genetics (formerly Invitae), Labcorp
Classification: Likely benign. Last evaluated: 2026-01-05. Review status: criteria provided, single submitter. Criteria: Invitae Variant Classification Sherloc (09022015). Collection method: clinical testing. Allele origin: germline.

Mayo Clinic Laboratories, Mayo Clinic
Classification: Uncertain significance. Last evaluated: 2024-12-30. Review status: criteria provided, single submitter. Criteria: ACMG Guidelines, 2015. Collection method: clinical testing. Allele origin: germline. Observed: 2 variant alleles.
Comment: BP4_moderate

Blueprint Genetics
Classification: Uncertain significance. Last evaluated: 2024-11-15. Review status: criteria provided, single submitter. Criteria: ACMG Guidelines, 2015. Collection method: clinical testing. Allele origin: germline.

Mendelics
Classification: Uncertain significance. Last evaluated: 2022-05-04. Review status: criteria provided, single submitter. Criteria: Mendelics Assertion Criteria 2019. Collection method: clinical testing. Allele origin: germline.

Ambry Genetics
Classification: Uncertain significance for Inborn genetic diseases. Last evaluated: 2021-08-17. Review status: criteria provided, single submitter. Criteria: Ambry Variant Classification Scheme 2023. Collection method: clinical testing. Allele origin: germline.

Illumina Laboratory Services, Illumina
Classification: Uncertain significance for Leukoencephalopathy-thalamus and brainstem anomalies-high lactate syndrome. Last evaluated: 2018-01-13. Review status: criteria provided, single submitter. Criteria: ICSL Variant Classification Criteria 13 December 2019. Collection method: clinical testing. Allele origin: germline.

Literature cited by the submitters: PubMed 36468010 (cited by Mayo Clinic Laboratories, Mayo Clinic).